The following is an entry in ClinVar:

ClinVar aggregate classification (germline): Uncertain significance (1 of 4 stars; one submission).

Conditions:
Schimke immuno-osseous dysplasia (SIOD). Also called: Schimke Immunoosseous Dysplasia. Identifiers: Orphanet 1830, MedGen C0877024, MONDO:0009458, OMIM 242900.

Allele frequency attached by ClinVar (database versions not stated): gnomAD exomes below 0.00001; ExAC 0.00001; gnomAD 0.00001; TOPMed 0.00002.
gnomAD v4.1: 7 of 1,613,864 alleles (0.00043%); highest among the groups gnomAD compares: African/African-American, 0.0013%; no homozygotes.

Submission:

Labcorp Genetics (formerly Invitae), Labcorp
Classification: Uncertain significance for Schimke immuno-osseous dysplasia. Last evaluated: 2022-07-12. Review status: criteria provided, single submitter. Criteria: Invitae Variant Classification Sherloc (09022015). Collection method: clinical testing. Allele origin: germline.
Comment: This sequence change replaces arginine, which is basic and polar, with glutamine, which is neutral and polar, at codon 563 of the SMARCAL1 protein (p.Arg563Gln). This variant is present in population databases (rs770947829, gnomAD 0.007%). This variant has not been reported in the literature in individuals affected with SMARCAL1-related conditions. ClinVar contains an entry for this variant (Variation ID: 1367982). Algorithms developed to predict the effect of missense changes on protein structure and function are either unavailable or do not agree on the potential impact of this missense change (SIFT: "Tolerated"; PolyPhen-2: "Possibly Damaging"; Align-GVGD: "Class C0"). In summary, the available evidence is currently insufficient to determine the role of this variant in disease. Therefore, it has been classified as a Variant of Uncertain Significance.

NM_014140.4(SMARCAL1):c.1688G>A (p.Arg563Gln)

Gene: SMARCAL1 (SNF2 related chromatin remodeling annealing helicase 1; plus strand). Cytogenetic location: 2q35.
Variant type: single nucleotide variant.
Coding change: c.1688G>A on transcript NM_014140.4 (MANE Select); coding-DNA position 1688, G replaced by A.
Protein change: p.Arg563Gln; replaces arginine 563 with glutamine.
Molecular consequence: missense variant.
Genome position (GRCh38, 1-based): chr2:216,438,463, G>A. VCF-style: chr2-216438463-G-A. GRCh37 (hg19) VCF-style: chr2-217303186-G-A.
Other names: c.1688G>A, p.Arg563Gln (NM_001127207.2); short protein forms R563Q.
Identifiers: ClinVar variation 1367982 (VCV001367982.5), dbSNP rs770947829, ClinGen allele CA2097963.
Genomic context (GRCh38, chr2:216,438,463, plus strand): 5'-TGGCTACTTCTTTTCAGGATGAATCTCACTTCCTCAAAAACAGTAGGACTGCCCGCTGTC[G>A]AGCAGCTATGCCGGTCCTAAAGGTGAGTACTTCTGAGAACTGAGCCCACTGAGCATTGGC-3'
Protein context (NP_054859.2, residues 553-573): FLKNSRTARC[Arg563Gln]AAMPVLKVAK